The following is an entry in ClinVar:

NM_032578.4(MYPN):c.2163C>A (p.Ala721=)

Gene: MYPN (myopalladin; plus strand). Cytogenetic location: 10q21.3.
Variant type: single nucleotide variant.
Coding change: c.2163C>A on transcript NM_032578.4 (MANE Select); coding-DNA position 2163, C replaced by A.
Protein change: p.Ala721=; no amino-acid change (alanine 721 retained).
Molecular consequence: synonymous variant. On other transcripts: non-coding transcript variant (2).
Genome position (GRCh38, 1-based): chr10:68,174,255, C>A. VCF-style: chr10-68174255-C-A. GRCh37 (hg19) VCF-style: chr10-69934012-C-A.
Other names: p.A721A:GCC>GCA; p.Ala721=; c.2163C>A, p.Ala721= (NM_001256267.2); c.1281C>A, p.Ala427= (NM_001256268.2).
Identifiers: ClinVar variation 31806 (VCV000031806.27), dbSNP rs71584491, ClinGen allele CA215310.

ClinVar aggregate classification (germline): Benign. Review status: criteria provided, multiple submitters, no conflicts (2 of 4 stars). 11 submissions from 11 submitters: Benign (8). 3 of the submissions do not count toward it. Last evaluated 2026-02-03.

Conditions:
Cardiovascular phenotype. Identifiers: MedGen CN230736.
Dilated cardiomyopathy 1KK (CMD1KK). Identifiers: Orphanet 154, Orphanet 75249, MedGen C3714995, MONDO:0014100, OMIM 615248.

Allele frequency attached by ClinVar (database versions not stated): gnomAD 0.04084 and 0.04239; 1000 Genomes Project 0.04293; ESP Exome Variant Server 0.04336; 1000 Genomes Project 30x 0.04435; TOPMed 0.04446; gnomAD exomes 0.02165 and 0.01601; ExAC 0.02384.
gnomAD v4.1: 29,938 of 1,613,986 alleles (1.9%); highest among the groups gnomAD compares: African/African-American, 11%; 761 homozygotes.

Submissions (11):

Labcorp Genetics (formerly Invitae), Labcorp
Classification: Benign for Dilated cardiomyopathy 1KK. Last evaluated: 2026-02-03. Review status: criteria provided, single submitter. Criteria: Invitae Variant Classification Sherloc (09022015). Collection method: clinical testing. Allele origin: germline.

Women's Health and Genetics/Laboratory Corporation of America, LabCorp
Classification: Benign. Last evaluated: 2023-04-17. Review status: criteria provided, single submitter. Criteria: LabCorp Variant Classification Summary - May 2015. Collection method: clinical testing. Allele origin: germline.

Mayo Clinic Laboratories, Mayo Clinic
Classification: Benign. Last evaluated: 2022-03-24. Review status: criteria provided, single submitter. Criteria: ACMG Guidelines, 2015. Collection method: clinical testing. Allele origin: germline. Observed: 100 variant alleles.

Molecular Diagnostic Laboratory for Inherited Cardiovascular Disease, Montreal Heart Institute
Classification: Benign. Last evaluated: 2016-05-13. Review status: criteria provided, single submitter. Criteria: ACMG Guidelines, 2015. Collection method: clinical testing. Allele origin: germline. Affected: yes.

Ambry Genetics
Classification: Benign for Cardiovascular phenotype. Last evaluated: 2015-06-19. Review status: criteria provided, single submitter. Criteria: Ambry Variant Classification Scheme 2023. Collection method: clinical testing. Allele origin: germline.

Laboratory for Molecular Medicine, Mass General Brigham Personalized Medicine
Classification: Benign. Last evaluated: 2015-01-13. Review status: criteria provided, single submitter. Criteria: LMM Criteria. Collection method: clinical testing. Allele origin: germline. Observed: 30 variant alleles.
Comment: p.Ala721Ala in exon 12 of MYPN: This variant is not expected to have clinical si gnificance because it does not alter an amino acid residue and is not located wi thin the splice consensus sequence. It has been identified in 10.4% (458/4406) o f African American chromosomes from a broad population by the NHLBI Exome Sequen cing Project (dbSNP rs71584491).

GeneDx
Classification: Benign. Last evaluated: 2013-12-17. Review status: criteria provided, single submitter. Criteria: GeneDx Variant Classification (06012015). Collection method: clinical testing. Allele origin: germline. Affected: yes.
Comment: This variant is considered likely benign or benign based on one or more of the following criteria: it is a conservative change, it occurs at a poorly conserved position in the protein, it is predicted to be benign by multiple in silico algorithms, and/or has population frequency not consistent with disease.

Breakthrough Genomics
Classification: Benign. Review status: criteria provided, single submitter. Criteria: ACMG Guidelines, 2015. Collection method: not provided. Allele origin: germline. Inheritance: Autosomal recessive inheritance. Affected: yes.

Leiden Muscular Dystrophy (MYPN)
No classification provided. Last evaluated: 2012-04-27. Review status: no classification provided. Collection method: curation. Allele origin: germline. Not counted in ClinVar's aggregate classification.

Clinical Genetics, Academic Medical Center
Classification: Benign. Review status: no assertion criteria provided. Collection method: clinical testing. Allele origin: germline. Affected: yes. Study: VKGL Data-share Consensus. Not counted in ClinVar's aggregate classification.

Joint Genome Diagnostic Labs from Nijmegen and Maastricht, Radboudumc and MUMC+
Classification: Benign. Review status: no assertion criteria provided. Collection method: clinical testing. Allele origin: germline. Affected: yes. Study: VKGL Data-share Consensus. Not counted in ClinVar's aggregate classification.